The following is an entry in ClinVar:

NM_001291303.3(FAT4):c.1361C>A (p.Ala454Glu)

Gene: FAT4 (FAT atypical cadherin 4; plus strand). Cytogenetic location: 4q28.1.
Variant type: single nucleotide variant.
Coding change: c.1361C>A on transcript NM_001291303.3 (MANE Select); coding-DNA position 1361, C replaced by A.
Protein change: p.Ala454Glu; replaces alanine 454 with glutamic acid.
Molecular consequence: missense variant.
Genome position (GRCh38, 1-based): chr4:125,317,772, C>A. VCF-style: chr4-125317772-C-A. GRCh37 (hg19) VCF-style: chr4-126238927-C-A.
Other names: c.1361C>A, p.Ala454Glu (NM_001291285.3, NM_024582.6); c.1361C>A (NM_024582.4); short protein forms A454E.
Identifiers: ClinVar variation 1399318 (VCV001399318.7), dbSNP rs1374779549, ClinGen allele CA358117738.

ClinVar aggregate classification (germline): Uncertain significance. Review status: criteria provided, multiple submitters, no conflicts (2 of 4 stars). 2 submissions from 2 submitters: Uncertain significance (2). Last evaluated 2025-01-13.

Conditions:
Inborn genetic diseases. Identifiers: MedGen C0950123, MeSH D030342.

gnomAD v4.1: 3 of 1,614,168 alleles (0.00019%); highest among the groups gnomAD compares: Middle Eastern, 0.016%; no homozygotes.

Submissions (2):

Labcorp Genetics (formerly Invitae), Labcorp
Classification: Uncertain significance. Last evaluated: 2025-01-13. Review status: criteria provided, single submitter. Criteria: Invitae Variant Classification Sherloc (09022015). Collection method: clinical testing. Allele origin: germline.
Comment: This sequence change replaces alanine, which is neutral and non-polar, with glutamic acid, which is acidic and polar, at codon 454 of the FAT4 protein (p.Ala454Glu). This variant is present in population databases (no rsID available, gnomAD no frequency). This variant has not been reported in the literature in individuals affected with FAT4-related conditions. ClinVar contains an entry for this variant (Variation ID: 1399318). Invitae Evidence Modeling of protein sequence and biophysical properties (such as structural, functional, and spatial information, amino acid conservation, physicochemical variation, residue mobility, and thermodynamic stability) indicates that this missense variant is not expected to disrupt FAT4 protein function with a negative predictive value of 95%. In summary, the available evidence is currently insufficient to determine the role of this variant in disease. Therefore, it has been classified as a Variant of Uncertain Significance.

Ambry Genetics
Classification: Uncertain significance for Inborn genetic diseases. Last evaluated: 2024-04-16. Review status: criteria provided, single submitter. Criteria: Ambry Variant Classification Scheme 2023. Collection method: clinical testing. Allele origin: germline.